The following is an entry in ClinVar:

NM_001111125.3(IQSEC2):c.4359A>C (p.Pro1453=)

Gene: IQSEC2 (IQ motif and Sec7 domain ArfGEF 2; minus strand). Cytogenetic location: Xp11.22.
Variant type: single nucleotide variant.
Coding change: c.4359A>C on transcript NM_001111125.3 (MANE Select); coding-DNA position 4359, A replaced by C.
Protein change: p.Pro1453=; no amino-acid change (proline 1453 retained).
Molecular consequence: synonymous variant. On other transcripts: 3 prime UTR variant (4), intron variant (2).
Genome position (GRCh38, 1-based): chrX:53,234,327, T>G on the plus strand (A>C on the coding strand, the complement: IQSEC2 is on the minus strand). VCF-style: chrX-53234327-T-G. GRCh37 (hg19) VCF-style: chrX-53263509-T-G.
Other names: c.*844A>C (NM_001410736.1, NM_001441093.1, NM_001441094.1 and 1 more transcripts); c.3451+1995A>C (NM_001441092.1); c.2740+1995A>C (NM_001441095.1).
Identifiers: ClinVar variation 5040901 (VCV005040901.1).

ClinVar aggregate classification (germline): Likely benign (1 of 4 stars; one submission).

Submission:

CeGaT Center for Human Genetics Tuebingen
Classification: Likely benign. Last evaluated: 2026-09-01. Review status: criteria provided, single submitter. Criteria: CeGaT Center For Human Genetics Tuebingen Variant Classification Criteria Version 2. Collection method: clinical testing. Allele origin: germline. Affected: yes. Observed: 1 variant allele.
Comment: IQSEC2: BP4, BP7